The following is an entry in ClinVar:

NM_000203.5(IDUA):c.615C>A (p.Cys205Ter)

Gene: IDUA (alpha-L-iduronidase; plus strand). Cytogenetic location: 4p16.3.
Variant type: single nucleotide variant.
Coding change: c.615C>A on transcript NM_000203.5 (MANE Select); coding-DNA position 615, C replaced by A.
Protein change: p.Cys205Ter; replaces cysteine 205 with a stop codon.
Molecular consequence: nonsense. On other transcripts: non-coding transcript variant (1).
Genome position (GRCh38, 1-based): chr4:1,001,704, C>A. VCF-style: chr4-1001704-C-A. GRCh37 (hg19) VCF-style: chr4-995492-C-A.
Other names: c.219C>A, p.Cys73Ter (NM_001363576.1); short protein forms C205*, C73*.
Identifiers: ClinVar variation 853816 (VCV000853816.15), dbSNP rs1715086654, ClinGen allele CA355961931.

ClinVar aggregate classification (germline): Pathogenic/Likely pathogenic. Review status: criteria provided, multiple submitters, no conflicts (2 of 4 stars). 3 submissions from 3 submitters: Pathogenic (2); Likely pathogenic (1). Last evaluated 2021-10-06.

Conditions:
Mucopolysaccharidosis type 1. Also called: Mucopolysaccharidosis Type I; IDUA deficiency; MPS I. Identifiers: Orphanet 579, MedGen C0023786, MONDO:0001586.
Mucopolysaccharidosis, MPS-I-H/S. Also called: Mucopolysaccharidosis type IH/S. Identifiers: Orphanet 93476, MedGen C0086431, MONDO:0011759, OMIM 607015.

Submissions (3):

Revvity Omics, Revvity
Classification: Pathogenic. Last evaluated: 2021-10-06. Review status: criteria provided, single submitter. Criteria: ACMG Guidelines, 2015. Collection method: clinical testing. Allele origin: germline.

Labcorp Genetics (formerly Invitae), Labcorp
Classification: Pathogenic for Mucopolysaccharidosis type 1. Last evaluated: 2019-12-22. Review status: criteria provided, single submitter. Criteria: Invitae Variant Classification Sherloc (09022015). Collection method: clinical testing. Allele origin: germline.
Comment: This variant has not been reported in the literature in individuals with IDUA-related conditions. For these reasons, this variant has been classified as Pathogenic. Loss-of-function variants in IDUA are known to be pathogenic (PMID: 11735025, 21480867). This variant is not present in population databases (ExAC no frequency). This sequence change creates a premature translational stop signal (p.Cys205*) in the IDUA gene. It is expected to result in an absent or disrupted protein product.

Myriad Genetics, Inc.
Classification: Likely pathogenic for Mucopolysaccharidosis, MPS-I-H/S. Last evaluated: 2019-03-05. Review status: criteria provided, single submitter. Criteria: Myriad Women's Health Autosomal Recessive and X-Linked Classification Criteria (2019). Collection method: clinical testing. Allele origin: unknown.
Comment: NM_000203.3(IDUA):c.615C>A(C205*) is expected to be pathogenic in the context of mucopolysaccharidosis type I. This variant is predicted to lead to an abnormal or absent protein product due to the creation of a premature termination codon in IDUA, a gene where loss-of-function variants are known to be pathogenic. Please note: this variant was assessed in the context of healthy population screening.

Literature cited by the submitters: PubMed 11735025 (cited by Labcorp Genetics (formerly Invitae), Labcorp); PubMed 21480867 (cited by Labcorp Genetics (formerly Invitae), Labcorp).